The following is an entry in ClinVar:

ClinVar aggregate classification (germline): Uncertain significance (1 of 4 stars; one submission).

Conditions:
Epidermolysis bullosa simplex 5B, with muscular dystrophy (EBS5B). Also called: EPIDERMOLYSIS BULLOSA SIMPLEX AND LIMB-GIRDLE MUSCULAR DYSTROPHY; Epidermolysis bullosa simplex with muscular dystrophy. Identifiers: Orphanet 257, MedGen C2931072, MONDO:0009181, OMIM 226670.
Epidermolysis bullosa simplex, Ogna type (EBS5A). Also called: Pidermolysis bullosa simplex 5A, Ogna type; EPIDERMOLYSIS BULLOSA SIMPLEX 5A, OGNA TYPE. Identifiers: Orphanet 79401, MedGen C0432317, MONDO:0007555, OMIM 131950.
Epidermolysis bullosa simplex with nail dystrophy (EBS5D). Identifiers: MedGen C4225309, MONDO:0014661, OMIM 616487.
Autosomal recessive limb-girdle muscular dystrophy type 2Q (LGMDR17). Also called: MUSCULAR DYSTROPHY, LIMB-GIRDLE, AUTOSOMAL RECESSIVE 17. Identifiers: Orphanet 254361, MedGen C3150989, MONDO:0013390, OMIM 613723.
Epidermolysis bullosa simplex 5C, with pyloric atresia (EBS5C). Also called: PLEC1-Related Epidermolysis Bullosa with Pyloric Atresia; Epidermolysis bullosa simplex with pyloric atresia; PLEC-Related Epidermolysis Bullosa with Pyloric Atresia. Identifiers: Orphanet 158684, MedGen C2677349, MONDO:0012807, OMIM 612138.

Submission:

Labcorp Genetics (formerly Invitae), Labcorp
Classification: Uncertain significance for Autosomal recessive limb-girdle muscular dystrophy type 2Q; Epidermolysis bullosa simplex, Ogna type; Epidermolysis bullosa simplex with nail dystrophy; Epidermolysis bullosa simplex 5C, with pyloric atresia; Epidermolysis bullosa simplex 5B, with muscular dystrophy. Last evaluated: 2022-08-21. Review status: criteria provided, single submitter. Criteria: Invitae Variant Classification Sherloc (09022015). Collection method: clinical testing. Allele origin: germline.
Comment: This variant, c.7688_7693del, results in the deletion of 2 amino acid(s) of the PLEC protein (p.Arg2563_Gln2564del), but otherwise preserves the integrity of the reading frame. This variant is not present in population databases (gnomAD no frequency). This variant has not been reported in the literature in individuals affected with PLEC-related conditions. Experimental studies and prediction algorithms are not available or were not evaluated, and the functional significance of this variant is currently unknown. In summary, the available evidence is currently insufficient to determine the role of this variant in disease. Therefore, it has been classified as a Variant of Uncertain Significance.

NM_201384.3(PLEC):c.7607_7612del (p.Arg2536_Gln2537del)

Gene: PLEC (plectin; minus strand). Cytogenetic location: 8q24.3.
Variant type: Deletion.
Coding change: c.7607_7612del on transcript NM_201384.3 (MANE Select); coding-DNA positions 7607 to 7612, 6 bases deleted (GGCAGC; older notation c.7607_7612delGGCAGC).
Protein change: p.Arg2536_Gln2537del.
Molecular consequence: inframe deletion. On other transcripts: inframe indel (1).
Genome position (GRCh38, 1-based): chr8:143,922,209-143,922,214, GCTGCC deleted on the plus strand (GGCAGC on the coding strand, the reverse complement: PLEC is on the minus strand); deleting any 6 consecutive bases within chr8:143,922,209-143,922,219 gives the same sequence; the c. name uses the placement nearest the transcript's 3' end. VCF-style (leftmost placement, unchanged base first): chr8-143922208-TGCTGCC-T. GRCh37 (hg19) VCF-style: chr8-144996376-TGCTGCC-T.
Other names: c.7688_7693del, p.Arg2563_Gln2564del (NM_000445.5); c.4302_4307delGCAGCG, p.Arg1436_Gln1437del (NM_001410941.1); c.7565_7570del, p.Arg2522_Gln2523del (NM_201378.4); c.7541_7546del, p.Arg2514_Gln2515del (NM_201379.3); c.8018_8023del, p.Arg2673_Gln2674del (NM_201380.4); c.7511_7516del, p.Arg2504_Gln2505del (NM_201381.3); c.7607_7612del, p.Arg2536_Gln2537del (NM_201382.4); c.7619_7624del, p.Arg2540_Gln2541del (NM_201383.3).
Identifiers: ClinVar variation 1899755 (VCV001899755.5), dbSNP rs2537566045, ClinGen allele CA2580078722.